The following is an entry in ClinVar:

ClinVar aggregate classification (germline): Uncertain significance (1 of 4 stars; one submission).

Conditions:
Developmental and epileptic encephalopathy, 14 (DEE14). Also called: Early infantile epileptic encephalopathy 14. Identifiers: Orphanet 293181, MedGen C3554195, MONDO:0013989, OMIM 614959.
Autosomal dominant nocturnal frontal lobe epilepsy 5. Also called: KCNT1-Related Epilepsy; Epilepsy, nocturnal frontal lobe, 5; CILIARY DYSKINESIA, PRIMARY, 28, WITHOUT SITUS INVERSUS; CILIARY DYSKINESIA, PRIMARY, 28, WITH SITUS INVERSUS. Identifiers: Orphanet 98784, MedGen C3554306, MONDO:0014002, OMIM 615005.

Allele frequency attached by ClinVar (database versions not stated): gnomAD exomes below 0.00001; ExAC 0.00001; gnomAD 0.00001; TOPMed 0.00001.
gnomAD v4.1: 4 of 1,607,974 alleles (0.00025%); highest among the groups gnomAD compares: Non-Finnish European, 0.00034%; no homozygotes.

Submission:

Labcorp Genetics (formerly Invitae), Labcorp
Classification: Uncertain significance for Autosomal dominant nocturnal frontal lobe epilepsy 5; Developmental and epileptic encephalopathy, 14. Last evaluated: 2023-03-09. Review status: criteria provided, single submitter. Criteria: Invitae Variant Classification Sherloc (09022015). Collection method: clinical testing. Allele origin: germline.
Comment: This variant has not been reported in the literature in individuals affected with KCNT1-related conditions. ClinVar contains an entry for this variant (Variation ID: 1513535). Advanced modeling of protein sequence and biophysical properties (such as structural, functional, and spatial information, amino acid conservation, physicochemical variation, residue mobility, and thermodynamic stability) performed at Invitae indicates that this missense variant is not expected to disrupt KCNT1 protein function. In summary, the available evidence is currently insufficient to determine the role of this variant in disease. Therefore, it has been classified as a Variant of Uncertain Significance. This variant is not present in population databases (gnomAD no frequency). This sequence change replaces methionine, which is neutral and non-polar, with leucine, which is neutral and non-polar, at codon 252 of the KCNT1 protein (p.Met252Leu).

NM_020822.3(KCNT1):c.754A>C (p.Met252Leu)

Gene: KCNT1 (potassium sodium-activated channel subfamily T member 1; plus strand). Cytogenetic location: 9q34.3.
Variant type: single nucleotide variant.
Coding change: c.754A>C on transcript NM_020822.3 (MANE Select); coding-DNA position 754, A replaced by C.
Protein change: p.Met252Leu; replaces methionine 252 with leucine.
Molecular consequence: missense variant.
Genome position (GRCh38, 1-based): chr9:135,757,376, A>C. VCF-style: chr9-135757376-A-C. GRCh37 (hg19) VCF-style: chr9-138649222-A-C.
Other names: c.610A>C, p.Met204Leu (NM_001272003.2); short protein forms M204L, M252L.
Identifiers: ClinVar variation 1513535 (VCV001513535.8), dbSNP rs755782470, ClinGen allele CA5326613.